The following is an entry in ClinVar:

NM_020822.3(KCNT1):c.2405T>A (p.Leu802Gln)

Gene: KCNT1 (potassium sodium-activated channel subfamily T member 1; plus strand). Cytogenetic location: 9q34.3.
Variant type: single nucleotide variant.
Coding change: c.2405T>A on transcript NM_020822.3 (MANE Select); coding-DNA position 2405, T replaced by A.
Protein change: p.Leu802Gln; replaces leucine 802 with glutamine.
Molecular consequence: missense variant.
Genome position (GRCh38, 1-based): chr9:135,777,393, T>A. VCF-style: chr9-135777393-T-A. GRCh37 (hg19) VCF-style: chr9-138669239-T-A.
Other names: c.2270T>A, p.Leu757Gln (NM_001272003.2); short protein forms L802Q, L757Q.
Identifiers: ClinVar variation 4782566 (VCV004782566.1).

ClinVar aggregate classification (germline): Uncertain significance (1 of 4 stars; one submission).

Conditions:
Autosomal dominant nocturnal frontal lobe epilepsy 5. Also called: CILIARY DYSKINESIA, PRIMARY, 28, WITHOUT SITUS INVERSUS; CILIARY DYSKINESIA, PRIMARY, 28, WITH SITUS INVERSUS; KCNT1-Related Epilepsy; Epilepsy, nocturnal frontal lobe, 5. Identifiers: Orphanet 98784, MedGen C3554306, MONDO:0014002, OMIM 615005.
Developmental and epileptic encephalopathy, 14 (DEE14). Also called: Early infantile epileptic encephalopathy 14. Identifiers: Orphanet 293181, MedGen C3554195, MONDO:0013989, OMIM 614959.

Submission:

Labcorp Genetics (formerly Invitae), Labcorp
Classification: Uncertain significance for Autosomal dominant nocturnal frontal lobe epilepsy 5; Developmental and epileptic encephalopathy, 14. Last evaluated: 2025-07-30. Review status: criteria provided, single submitter. Criteria: Invitae Variant Classification Sherloc (09022015). Collection method: clinical testing. Allele origin: germline.
Comment: This sequence change replaces leucine, which is neutral and non-polar, with glutamine, which is neutral and polar, at codon 802 of the KCNT1 protein (p.Leu802Gln). This variant is not present in population databases (gnomAD no frequency). This variant has not been reported in the literature in individuals affected with KCNT1-related conditions. Invitae Evidence Modeling of protein sequence and biophysical properties (such as structural, functional, and spatial information, amino acid conservation, physicochemical variation, residue mobility, and thermodynamic stability) indicates that this missense variant is not expected to disrupt KCNT1 protein function with a negative predictive value of 80%. In summary, the available evidence is currently insufficient to determine the role of this variant in disease. Therefore, it has been classified as a Variant of Uncertain Significance.